The following is an entry in ClinVar:

ClinVar aggregate classification (germline): Benign/Likely benign. Review status: criteria provided, multiple submitters, no conflicts (2 of 4 stars). 5 submissions from 5 submitters: Benign (1); Likely benign (4). Last evaluated 2026-09-04.

Conditions:
Primary ciliary dyskinesia. Also called: Ciliary dyskinesia. Identifiers: Orphanet 244, MedGen C0008780, MONDO:0016575, HP:0012265.

Allele frequency attached by ClinVar (database versions not stated): gnomAD exomes 0.00003 and 0.00007; ExAC 0.00009; gnomAD 0.00033 and 0.00039; TOPMed 0.00036; ESP Exome Variant Server 0.00038.

Submissions (5):

Ambry Genetics
Classification: Benign for Primary ciliary dyskinesia. Last evaluated: 2026-09-04. Review status: criteria provided, single submitter. Criteria: Ambry Variant Classification Scheme 2023. Collection method: clinical testing. Allele origin: germline.

Labcorp Genetics (formerly Invitae), Labcorp
Classification: Likely benign for Primary ciliary dyskinesia. Last evaluated: 2026-01-25. Review status: criteria provided, single submitter. Criteria: Invitae Variant Classification Sherloc (09022015). Collection method: clinical testing. Allele origin: germline.

CeGaT Center for Human Genetics Tuebingen
Classification: Likely benign. Last evaluated: 2025-08-01. Review status: criteria provided, single submitter. Criteria: CeGaT Center For Human Genetics Tuebingen Variant Classification Criteria Version 2. Collection method: clinical testing. Allele origin: germline. Affected: yes. Observed: 1 variant allele.
Comment: RPGR: BP4, BS2

Blueprint Genetics
Classification: Likely benign. Last evaluated: 2019-06-28. Review status: criteria provided, single submitter. Criteria: ACMG Guidelines, 2015. Collection method: clinical testing. Allele origin: germline.

PreventionGenetics, part of Exact Sciences
Classification: Likely benign. Last evaluated: 2019-02-28. Review status: criteria provided, single submitter. Criteria: ACMG Guidelines, 2015. Collection method: clinical testing. Allele origin: germline.

NM_001034853.2(RPGR):c.1414+5C>T

Gene: RPGR (retinitis pigmentosa GTPase regulator; minus strand). Cytogenetic location: Xp11.4.
Variant type: single nucleotide variant.
Coding change: c.1414+5C>T on transcript NM_001034853.2 (MANE Select); 5 bases into the intron after coding-DNA position 1414, C replaced by T.
Molecular consequence: intron variant.
Genome position (GRCh38, 1-based): chrX:38,297,279, G>A on the plus strand (C>T on the coding strand, the complement: RPGR is on the minus strand). VCF-style: chrX-38297279-G-A. GRCh37 (hg19) VCF-style: chrX-38156532-G-A.
Other names: c.1411+5C>T (NM_001367249.1, NM_001367250.1, NM_001367245.1); c.1228+5C>T (NM_001367251.1, NM_001367246.1); c.1414+5C>T (NM_001367247.1, NM_000328.3); c.1444+5C>T (NM_001367248.1).
Identifiers: ClinVar variation 696052 (VCV000696052.25), dbSNP rs367627674, ClinGen allele CA10385484.